The following is an entry in ClinVar:

NM_001854.4(COL11A1):c.1426C>T (p.Arg476Cys)

Gene: COL11A1 (collagen type XI alpha 1 chain; minus strand). Cytogenetic location: 1p21.1.
Variant type: single nucleotide variant.
Coding change: c.1426C>T on transcript NM_001854.4 (MANE Select); coding-DNA position 1426, C replaced by T.
Protein change: p.Arg476Cys; replaces arginine 476 with cysteine.
Molecular consequence: missense variant. On other transcripts: non-coding transcript variant (1).
Genome position (GRCh38, 1-based): chr1:103,015,730, G>A on the plus strand (C>T on the coding strand, the complement: COL11A1 is on the minus strand). VCF-style: chr1-103015730-G-A. GRCh37 (hg19) VCF-style: chr1-103481286-G-A.
Other names: c.1309C>T, p.Arg437Cys (NM_001190709.2); c.1462C>T, p.Arg488Cys (NM_080629.3); c.1078C>T, p.Arg360Cys (NM_080630.4); short protein forms R360C, R437C, R476C, R488C.
Identifiers: ClinVar variation 1208162 (VCV001208162.18), dbSNP rs756352775, ClinGen allele CA974979.

ClinVar aggregate classification (germline): Conflicting classifications of pathogenicity. Review status: criteria provided, conflicting classifications (1 of 4 stars). 5 submissions from 5 submitters: Uncertain significance (4); Benign (1). Last evaluated 2026-03-01.

Conditions:
COL11A1-related disorder. Also called: COL11A1-related disorders; COL11A1-related condition.

Allele frequency attached by ClinVar (database versions not stated): ExAC 0.00001; gnomAD exomes 0.00002; gnomAD 0.00003; TOPMed 0.00003.
gnomAD v4.1: 108 of 1,604,128 alleles (0.0067%); highest among the groups gnomAD compares: Non-Finnish European, 0.0086%; no homozygotes.

Submissions (5):

CeGaT Center for Human Genetics Tuebingen
Classification: Uncertain significance. Last evaluated: 2026-03-01. Review status: criteria provided, single submitter. Criteria: CeGaT Center For Human Genetics Tuebingen Variant Classification Criteria Version 2. Collection method: clinical testing. Allele origin: germline. Affected: yes. Observed: 1 variant allele.
Comment: COL11A1: PM2, PP3

PreventionGenetics, part of Exact Sciences
Classification: Uncertain significance for COL11A1-related condition. Last evaluated: 2026-02-26. Review status: criteria provided, single submitter. Criteria: ACMG Guidelines, 2015. Collection method: clinical testing. Allele origin: germline.
Comment: The COL11A1 c.1426C>T variant is predicted to result in the amino acid substitution p.Arg476Cys. This variant was reported as a rare variant in myopia and adolescent idiopathic scoliosis cohorts but no clear causative association has been established between this variant and disease (Supplementary Table 1 (reported as NM_080629.2:c.1462C>T), Haarman et al. 2022. PubMed ID: 35567543; Supplementary Table 4, Haller et al. 2015. PubMed ID: 26566670). This variant is reported in 0.0083% of alleles in individuals of African descent in gnomAD. At this time, the clinical significance of this variant is uncertain due to the absence of conclusive functional and genetic evidence.

Labcorp Genetics (formerly Invitae), Labcorp
Classification: Benign. Last evaluated: 2025-12-20. Review status: criteria provided, single submitter. Criteria: Invitae Variant Classification Sherloc (09022015). Collection method: clinical testing. Allele origin: germline.

GeneDx
Classification: Uncertain significance. Last evaluated: 2025-08-26. Review status: criteria provided, single submitter. Criteria: GeneDx Variant Classification Process June 2021. Collection method: clinical testing. Allele origin: germline. Affected: yes.
Comment: Identified in a patient with adolescent idiopathic scoliosis in published literature (PMID: 26566670); Not observed at significant frequency in large population cohorts (gnomAD); In silico analysis supports that this missense variant has a deleterious effect on protein structure/function; Not located in the triple helical region, where the majority of pathogenic missense variants occur (PMID: 25240749); This variant is associated with the following publications: (PMID: 35567543, 28875981, 26566670, 25240749)

Blueprint Genetics
Classification: Uncertain significance. Last evaluated: 2024-02-16. Review status: criteria provided, single submitter. Criteria: ACMG Guidelines, 2015. Collection method: clinical testing. Allele origin: germline.